The following is an entry in ClinVar:

ClinVar aggregate classification (germline): Uncertain significance (1 of 4 stars; one submission).

Allele frequency attached by ClinVar (database versions not stated): gnomAD exomes 0.00001; gnomAD 0.00003; TOPMed 0.00005.
gnomAD v4.1: 15 of 1,613,056 alleles (0.00093%); highest among the groups gnomAD compares: Middle Eastern, 0.016%; no homozygotes.

Submission:

Labcorp Genetics (formerly Invitae), Labcorp
Classification: Uncertain significance. Last evaluated: 2025-07-20. Review status: criteria provided, single submitter. Criteria: Invitae Variant Classification Sherloc (09022015). Collection method: clinical testing. Allele origin: germline.
Comment: This sequence change replaces arginine, which is basic and polar, with histidine, which is basic and polar, at codon 502 of the CFI protein (p.Arg502His). This variant is present in population databases (no rsID available, gnomAD 0.01%). This variant has not been reported in the literature in individuals affected with CFI-related conditions. ClinVar contains an entry for this variant (Variation ID: 1987058). Invitae Evidence Modeling of protein sequence and biophysical properties (such as structural, functional, and spatial information, amino acid conservation, physicochemical variation, residue mobility, and thermodynamic stability) indicates that this missense variant is expected to disrupt CFI protein function with a positive predictive value of 80%. In summary, the available evidence is currently insufficient to determine the role of this variant in disease. Therefore, it has been classified as a Variant of Uncertain Significance.

NM_000204.5(CFI):c.1505G>A (p.Arg502His)

Gene: CFI (complement factor I; minus strand). Cytogenetic location: 4q25.
Variant type: single nucleotide variant.
Coding change: c.1505G>A on transcript NM_000204.5 (MANE Select); coding-DNA position 1505, G replaced by A.
Protein change: p.Arg502His; replaces arginine 502 with histidine.
Molecular consequence: missense variant. On other transcripts: non-coding transcript variant (3).
Genome position (GRCh38, 1-based): chr4:109,742,520, C>T on the plus strand (G>A on the coding strand, the complement: CFI is on the minus strand). VCF-style: chr4-109742520-C-T. GRCh37 (hg19) VCF-style: chr4-110663676-C-T.
Other names: c.1529G>A, p.Arg510His (NM_001318057.2, NM_001375278.1); c.1484G>A, p.Arg495His (NM_001331035.2, NM_001375280.1, NM_001375282.1); c.1505G>A, p.Arg502His (NM_001375279.1, NM_001375281.1); c.1448G>A, p.Arg483His (NM_001375283.1); c.896G>A, p.Arg299His (NM_001375284.1); short protein forms R502H, R510H, R299H, R483H, R495H.
Identifiers: ClinVar variation 1987058 (VCV001987058.4), dbSNP rs927088953, ClinGen allele CA103687739.